The following is an entry in ClinVar:

ClinVar aggregate classification (germline): Uncertain significance (1 of 4 stars; one submission).

Conditions:
Brugada syndrome. Also called: Sudden unexpected nocturnal death syndrome; Sudden unexplained nocturnal death syndrome; Sudden Unexplained Death Syndrome; Sudden Unexplained Nocturnal Death Syndrome (SUNDS). Identifiers: Orphanet 130, MedGen C1142166, MONDO:0015263.

Submission:

Labcorp Genetics (formerly Invitae), Labcorp
Classification: Uncertain significance for Brugada syndrome. Last evaluated: 2017-08-28. Review status: criteria provided, single submitter. Criteria: Invitae Variant Classification Sherloc (09022015). Collection method: clinical testing. Allele origin: germline.
Comment: This sequence change affects a donor splice site in intron 22 of the SCN10A gene. It is expected to disrupt RNA splicing and likely results in an absent or disrupted protein product. This variant is not present in population databases (ExAC no frequency). This variant has not been reported in the literature in individuals with SCN10A-related disease. Algorithms developed to predict the effect of sequence changes on RNA splicing suggest that this variant may disrupt the consensus splice site, but this prediction has not been confirmed by published transcriptional studies. The current clinical and genetic evidence is not sufficient to establish whether loss-of-function variants in SCN10A cause disease. In summary, the available evidence is currently insufficient to determine the role of this variant in disease. Therefore, it has been classified as a Variant of Uncertain Significance.

NM_006514.4(SCN10A):c.4089+2T>C

Gene: SCN10A (sodium voltage-gated channel alpha subunit 10; minus strand). Cytogenetic location: 3p22.2.
Variant type: single nucleotide variant.
Coding change: c.4089+2T>C on transcript NM_006514.4 (MANE Select); the canonical splice donor site of the intron after coding-DNA position 4089, T replaced by C.
Molecular consequence: splice donor variant.
Genome position (GRCh38, 1-based): chr3:38,712,159, A>G on the plus strand (T>C on the coding strand, the complement: SCN10A is on the minus strand). VCF-style: chr3-38712159-A-G. GRCh37 (hg19) VCF-style: chr3-38753650-A-G.
Other names: c.3795+2T>C (NM_001293307.2); c.4086+2T>C (NM_001293306.2).
Identifiers: ClinVar variation 532084 (VCV000532084.1), dbSNP rs1553614805, ClinGen allele CA352150430.